The following is an entry in ClinVar:

ClinVar aggregate classification (germline): Likely benign (1 of 4 stars; one submission).

Allele frequency attached by ClinVar (database versions not stated): gnomAD exomes 0.00007; ExAC 0.00017; TOPMed 0.00001; gnomAD 0.00007.
gnomAD v4.1: 113 of 1,614,022 alleles (0.007%); highest among the groups gnomAD compares: South Asian, 0.12%; 2 homozygotes.

Submission:

CeGaT Center for Human Genetics Tuebingen
Classification: Likely benign. Last evaluated: 2023-11-01. Review status: criteria provided, single submitter. Criteria: CeGaT Center For Human Genetics Tuebingen Variant Classification Criteria Version 2. Collection method: clinical testing. Allele origin: germline. Affected: yes. Observed: 1 variant allele.
Comment: TET3: BP4, BP7

NM_001287491.2(TET3):c.1128C>T (p.Ser376=)

Gene: TET3 (tet methylcytosine dioxygenase 3; plus strand). Cytogenetic location: 2p13.1.
Variant type: single nucleotide variant.
Coding change: c.1128C>T on transcript NM_001287491.2 (MANE Select); coding-DNA position 1128, C replaced by T.
Protein change: p.Ser376=; no amino-acid change (serine 376 retained).
Molecular consequence: synonymous variant.
Genome position (GRCh38, 1-based): chr2:74,047,045, C>T. VCF-style: chr2-74047045-C-T. GRCh37 (hg19) VCF-style: chr2-74274172-C-T.
Other names: c.849C>T, p.Ser283= (NM_001366022.1); c.723C>T, p.Ser241= (NM_144993.1).
Identifiers: ClinVar variation 2672819 (VCV002672819.23), dbSNP rs749365132, ClinGen allele CA1718533.